The following is an entry in ClinVar:

NM_005666.4(CFHR2):c.208A>G (p.Ile70Val)

Gene: CFHR2 (complement factor H related 2; plus strand). Cytogenetic location: 1q31.3.
Variant type: single nucleotide variant.
Coding change: c.208A>G on transcript NM_005666.4 (MANE Select); coding-DNA position 208, A replaced by G.
Protein change: p.Ile70Val; replaces isoleucine 70 with valine.
Molecular consequence: missense variant. On other transcripts: intron variant (2).
Genome position (GRCh38, 1-based): chr1:196,949,604, A>G. VCF-style: chr1-196949604-A-G. GRCh37 (hg19) VCF-style: chr1-196918734-A-G.
Other names: p.Ile70Val; c.58+5666A>G (NM_001312672.1); c.59-1248A>G (NM_001410924.1); short protein forms I70V.
Identifiers: ClinVar variation 2682706 (VCV002682706.1), dbSNP rs2526785236, ClinGen allele CA343984503.

ClinVar aggregate classification (germline): Uncertain significance (1 of 4 stars; one submission).

Submission:

Mayo Clinic Laboratories, Mayo Clinic
Classification: Uncertain significance. Last evaluated: 2023-01-30. Review status: criteria provided, single submitter. Criteria: ACMG Guidelines, 2015. Collection method: clinical testing. Allele origin: germline. Observed: 2 variant alleles.
Comment: BP4, PM2_supporting